The following is an entry in ClinVar:

NM_000159.4(GCDH):c.1261G>A (p.Ala421Thr)

Genes: SYCE2 (synaptonemal complex central element protein 2; minus strand), GCDH (glutaryl-CoA dehydrogenase; plus strand), LOC126862860 (BRD4-independent group 4 enhancer GRCh37_chr19:13010146-13011345; plus strand). Cytogenetic location: 19p13.13.
Variant type: single nucleotide variant.
Coding change: c.1261G>A on transcript NM_000159.4 (MANE Select); coding-DNA position 1261, G replaced by A.
Protein change: p.Ala421Thr; replaces alanine 421 with threonine.
Molecular consequence: missense variant. On other transcripts: non-coding transcript variant (2), intron variant (2).
Genome position (GRCh38, 1-based): chr19:12,899,485, G>A. VCF-style: chr19-12899485-G-A. GRCh37 (hg19) VCF-style: chr19-13010299-G-A.
Other names: c.1261G>A (NM_000159.3); c.1244-215G>A (NM_013976.5); c.613-100C>T (NM_001105578.2); short protein forms A421T.
Identifiers: ClinVar variation 285973 (VCV000285973.33), dbSNP rs151201155, ClinGen allele CA9234692.

ClinVar aggregate classification (germline): Conflicting classifications of pathogenicity. Review status: criteria provided, conflicting classifications (1 of 4 stars). 14 submissions from 14 submitters: Pathogenic (9); Likely pathogenic (3); Uncertain significance (1). 1 of the submissions does not count toward it. Last evaluated 2026-04-27.

Conditions:
Glutaric aciduria, type 1. Also called: Glutaric Acidemia Type 1; Glutaricacidemia Type 1; Glutaryl-CoA dehydrogenase deficiency; GA I; Glutaric acidemia type I; Glutaricaciduria, type I. Identifiers: Orphanet 25, MedGen C0268595, MONDO:0009281, OMIM 231670.
GCDH-related disorder. Also called: GCDH-related condition.

Allele frequency attached by ClinVar (database versions not stated): gnomAD exomes 0.00020; ExAC 0.00021; ESP Exome Variant Server 0.00054; gnomAD 0.00056 and 0.00061; TOPMed 0.00076; 1000 Genomes Project 30x 0.00078; 1000 Genomes Project 0.00080.
gnomAD v4.1: 200 of 1,614,158 alleles (0.012%); highest among the groups gnomAD compares: African/African-American, 0.2%; 1 homozygote.

Submissions (14):

PreventionGenetics, part of Exact Sciences
Classification: Likely pathogenic for GCDH-related condition. Last evaluated: 2026-04-27. Review status: criteria provided, single submitter. Criteria: ACMG Guidelines, 2015. Collection method: clinical testing. Allele origin: germline.
Comment: The GCDH c.1261G>A variant is predicted to result in the amino acid substitution p.Ala421Thr. This variant was previously reported, along with a second possible causative variant, in individuals with glutaric acidemia (see, for example, supplementary data, Dong et al. 2020. PubMed ID: 32005694; Guenzel et al. 2021. PubMed ID: 34258142; Lin et al. 2021. PubMed ID: 34344405). This variant was also reported in large cohort of individuals with glutaric acidemia (Goodman et al. 1998. PubMed ID: 9711871; Schuurmans et al. 2023. PubMed ID: 37020324) and was reported to result in reduced enzymatic activity (Goodman et al. 1998. PubMed ID: 9711871). This variant is reported in 0.21% of alleles in individuals of African descent in gnomAD. This variant is interpreted as likely pathogenic.

Dasa
Classification: Pathogenic. Last evaluated: 2026-02-05. Review status: criteria provided, single submitter. Criteria: DASA Assertion Criteria. Collection method: clinical testing. Allele origin: germline.
Comment: NM_000159.4(GCDH):c.1261G>A (p.Ala421Thr) is a missense variant that results in the substitution of alanine with threonine. The affected residue or protein region has prior evidence supporting clinical relevance. Segregation evidence has been reported in affected families. This variant has been recurrently observed in affected individuals with related phenotype in a genotype context consistent with recessive disease (PMID: 15505393; PMID: 32005694; PMID: 9711871; PMID: 34258142; PMID: 34344405). Functional evidence supports a deleterious effect on the gene or gene product (PMID: 15505393; PMID: 32005694; PMID: 9711871; PMID: 34258142; PMID: 34344405). Multiple computational predictions support a deleterious effect on the gene or gene product. The variant is present at low frequency in population datasets. Based on the available data, this variant is classified as pathogenic.

Labcorp Genetics (formerly Invitae), Labcorp
Classification: Pathogenic for Glutaric aciduria, type 1. Last evaluated: 2026-01-28. Review status: criteria provided, single submitter. Criteria: Invitae Variant Classification Sherloc (09022015). Collection method: clinical testing. Allele origin: germline.
Comment: This sequence change replaces alanine, which is neutral and non-polar, with threonine, which is neutral and polar, at codon 421 of the GCDH protein (p.Ala421Thr). This variant is present in population databases (rs151201155, gnomAD 0.2%). This missense change has been observed in individual(s) with GCDH-related conditions (PMID: 27672653, 28302372). ClinVar contains an entry for this variant (Variation ID: 285973). Invitae Evidence Modeling of protein sequence and biophysical properties (such as structural, functional, and spatial information, amino acid conservation, physicochemical variation, residue mobility, and thermodynamic stability) indicates that this missense variant is not expected to disrupt GCDH protein function with a negative predictive value of 80%. This variant disrupts the p.Ala421 amino acid residue in GCDH. Other variant(s) that disrupt this residue have been determined to be pathogenic (PMID: 8900227, 15505393, 28438223). This suggests that this residue is clinically significant, and that variants that disrupt this residue are likely to be disease-causing. For these reasons, this variant has been classified as Pathogenic.

Natera, Inc.
Classification: Pathogenic for Glutaric acidemia type 1. Last evaluated: 2025-10-12. Review status: criteria provided, single submitter. Criteria: Natera Variant Classification Schema (03/2026). Collection method: clinical testing. Allele origin: germline.
Comment: The c.1261G>A variant in GCDH is a missense variant predicted to cause substitution of alanine to threonine at amino acid 421. This variant is rare in the general population with a frequency below the threshold expected for the associated phenotype(s). This variant has been observed in one or more individuals affected with the associated recessive disease, as either homozygous or compound heterozygous with a second variant (PMID: 27672653, 15505393, 37496092). Given the available evidence, this variant is classified as Pathogenic.

Women's Health and Genetics/Laboratory Corporation of America, LabCorp
Classification: Pathogenic for Glutaric aciduria, type 1. Last evaluated: 2025-02-03. Review status: criteria provided, single submitter. Criteria: LabCorp Variant Classification Summary - May 2015. Collection method: clinical testing. Allele origin: germline.
Comment: Variant summary: GCDH c.1261G>A (p.Ala421Thr) results in a non-conservative amino acid change located in the Acyl-CoA dehydrogenase/oxidase C-terminal domain (IPR009075) of the encoded protein sequence. Three of three in-silico tools predict a damaging effect of the variant on protein function. The variant allele was found at a frequency of 0.0002 in 251284 control chromosomes, predominantly at a frequency of 0.0025 within the African or African-American subpopulation in the gnomAD database. This frequency is not significantly higher than estimated for a pathogenic variant in GCDH causing Glutaric Acidemia Type 1 (0.0002 vs 0.0035), allowing no conclusion about variant significance. c.1261G>A has been reported in the literature in multiple compound heterozygous individuals affected with Glutaric Acidemia Type 1 (e.g. Christensen_2004, Tsai_2017, Wahab_2016, Dong_2020, Lin_2021, Guenzel_2021). These data indicate that the variant is very likely to be associated with disease. Publications also reported experimental evidence evaluating an impact on protein function, and demonstrated decreased enzymatic activity both in patient derived fibroblasts (Christensen_2004) and in bacterial expression systems (Goodman_1998, Westover_2003). A different variant affecting the same codon has been classified as pathogenic by our lab (c.1262C>T, p.Ala421Val), supporting the critical relevance of codon 421 to GCDH protein function. The following publications have been ascertained in the context of this evaluation (PMID: 15505393, 32005694, 9711871, 34258142, 34344405, 28302372, 27672653, 12948740). ClinVar contains an entry for this variant (Variation ID: 285973). Based on the evidence outlined above, the variant was classified as pathogenic.

GeneDx
Classification: Pathogenic. Last evaluated: 2025-01-14. Review status: criteria provided, single submitter. Criteria: GeneDx Variant Classification Process June 2021. Collection method: clinical testing. Allele origin: germline. Affected: yes.
Comment: Published functional studies found A421T is associated with significantly reduced enzyme activity (PMID: 9711871, 12948740); Identified in individuals with glutaric aciduria type 1 in published literature, although clinical information was not provided (PMID: 9711871); In silico analysis supports that this missense variant has a deleterious effect on protein structure/function; This variant is associated with the following publications: (PMID: 27672653, 28302372, 25087612, 23891399, 12948740, 28062662, 15505393, 32306145, 32005694, 34258142, 34344405, 37020324, 9711871)

3billion
Classification: Likely pathogenic for Glutaric aciduria, type 1. Last evaluated: 2024-07-09. Review status: criteria provided, single submitter. Criteria: ACMG Guidelines, 2015. Collection method: clinical testing. Allele origin: germline. Affected: yes.
Comment: The variant is observed at an extremely low frequency in the gnomAD v4.0.0 dataset (total allele frequency: 0.012%). Predicted Consequence/Location: Missense variant In silico tool predictions suggest damaging effect of the variant on gene or gene product [REVEL: 0.90 (>=0.6, sensitivity 0.68 and specificity 0.92)]. The same nucleotide change resulting in the same amino acid change has been previously reported to be associated with GCDH related disorder (ClinVar ID: VCV000285973 /PMID: 9711871). Different missense changes at the same codon (p.Ala421Pro, p.Ala421Val) have been reported as pathogenic/likely pathogenic with strong evidence (ClinVar ID: VCV000002082 /PMID: 37020324, 8900227). Therefore, this variant is classified as Likely pathogenic according to the recommendation of ACMG/AMP guideline.

Blueprint Genetics
Classification: Pathogenic for GCDH-related disorders. Last evaluated: 2024-07-04. Review status: criteria provided, single submitter. Criteria: ACMG Guidelines, 2015. Collection method: clinical testing. Allele origin: germline. Affected: yes. Observed: 5 variant alleles.

Fulgent Genetics
Classification: Pathogenic for Glutaric aciduria, type 1. Last evaluated: 2024-05-06. Review status: criteria provided, single submitter. Criteria: ACMG Guidelines, 2015. Collection method: clinical testing. Allele origin: germline.

Baylor Genetics
Classification: Likely pathogenic for Glutaric aciduria, type 1. Last evaluated: 2024-03-27. Review status: criteria provided, single submitter. Criteria: ACMG Guidelines, 2015. Collection method: clinical testing. Allele origin: unknown.

Laboratory of Medical Genetics, National & Kapodistrian University of Athens
Classification: Pathogenic for Glutaric aciduria, type 1. Last evaluated: 2024-02-01. Review status: criteria provided, single submitter. Criteria: ACMG Guidelines, 2015. Collection method: curation. Allele origin: germline. Affected: no.

Revvity Omics, Revvity
Classification: Pathogenic for Glutaric aciduria, type 1. Last evaluated: 2022-12-09. Review status: criteria provided, single submitter. Criteria: ACMG Guidelines, 2015. Collection method: clinical testing. Allele origin: germline.

Eurofins Ntd Llc (ga)
Classification: Uncertain significance. Last evaluated: 2016-02-13. Review status: criteria provided, single submitter. Criteria: EGL Classification Definitions 2015. Collection method: clinical testing. Allele origin: germline. Observed: 1 variant allele, 1 heterozygote.

Counsyl
Classification: Uncertain significance for Glutaric aciduria, type 1. Last evaluated: 2018-01-11. Review status: no assertion criteria provided. Collection method: clinical testing. Allele origin: unknown. Not counted in ClinVar's aggregate classification.

Literature cited by the submitters: PubMed 15505393 (cited by 5 submitters); PubMed 32005694 (cited by Dasa and Women's Health and Genetics/Laboratory Corporation of America, LabCorp); PubMed 9711871 (cited by 5 submitters); PubMed 34258142 (cited by Dasa and Women's Health and Genetics/Laboratory Corporation of America, LabCorp); PubMed 34344405 (cited by Dasa and Women's Health and Genetics/Laboratory Corporation of America, LabCorp); PubMed 28302372 (cited by 4 submitters); PubMed 27672653 (cited by 5 submitters); PubMed 12948740 (cited by 3 submitters); PubMed 8900227 (cited by Labcorp Genetics (formerly Invitae), Labcorp); PubMed 28438223 (cited by Labcorp Genetics (formerly Invitae), Labcorp); PubMed 37496092 (cited by Natera, Inc.); PubMed 37020324 (cited by 3billion).